The following is an entry in ClinVar:

NM_201548.5(CERKL):c.1074-2A>G

Gene: CERKL (CERK like autophagy regulator; minus strand). Cytogenetic location: 2q31.3.
Variant type: single nucleotide variant.
Coding change: c.1074-2A>G on transcript NM_201548.5 (MANE Select); the canonical splice acceptor site of the intron before coding-DNA position 1074, A replaced by G.
Molecular consequence: splice acceptor variant.
Genome position (GRCh38, 1-based): chr2:181,548,606, T>C on the plus strand (A>G on the coding strand, the complement: CERKL is on the minus strand). VCF-style: chr2-181548606-T-C. GRCh37 (hg19) VCF-style: chr2-182413333-T-C.
Other names: c.735-2A>G (NM_001030312.3); c.1020-2A>G (NM_001160277.2); c.867-2A>G (NM_001030313.3); c.1152-2A>G (NM_001030311.3).
Identifiers: ClinVar variation 1520973 (VCV001520973.10), dbSNP rs2105803582, ClinGen allele CA349736663.

ClinVar aggregate classification (germline): Likely pathogenic. Review status: criteria provided, multiple submitters, no conflicts (2 of 4 stars). 2 submissions from 2 submitters: Likely pathogenic (2). Last evaluated 2024-02-12.

Conditions:
Retinitis pigmentosa 26 (RP26). Identifiers: Orphanet 791, MedGen C1842127, MONDO:0012024, OMIM 608380.

gnomAD v4.1: 2 of 1,613,222 alleles (0.00012%); highest among the groups gnomAD compares: Non-Finnish European, 0.00017%; no homozygotes.

Submissions (2):

Baylor Genetics
Classification: Likely pathogenic for Retinitis pigmentosa 26. Last evaluated: 2024-02-12. Review status: criteria provided, single submitter. Criteria: ACMG Guidelines, 2015. Collection method: clinical testing. Allele origin: unknown.

Labcorp Genetics (formerly Invitae), Labcorp
Classification: Likely pathogenic. Last evaluated: 2023-12-20. Review status: criteria provided, single submitter. Criteria: Invitae Variant Classification Sherloc (09022015). Collection method: clinical testing. Allele origin: germline.
Comment: This sequence change affects an acceptor splice site in intron 8 of the CERKL gene. It is expected to disrupt RNA splicing. Variants that disrupt the donor or acceptor splice site typically lead to a loss of protein function (PMID: 16199547), and loss-of-function variants in CERKL are known to be pathogenic (PMID: 14681825, 23591405, 24043777). This variant is not present in population databases (gnomAD no frequency). This variant has not been reported in the literature in individuals affected with CERKL-related conditions. ClinVar contains an entry for this variant (Variation ID: 1520973). Algorithms developed to predict the effect of sequence changes on RNA splicing suggest that this variant may disrupt the consensus splice site. In summary, the currently available evidence indicates that the variant is pathogenic, but additional data are needed to prove that conclusively. Therefore, this variant has been classified as Likely Pathogenic.

Literature cited by the submitters: PubMed 16199547 (cited by Labcorp Genetics (formerly Invitae), Labcorp); PubMed 14681825 (cited by Labcorp Genetics (formerly Invitae), Labcorp); PubMed 23591405 (cited by Labcorp Genetics (formerly Invitae), Labcorp); PubMed 24043777 (cited by Labcorp Genetics (formerly Invitae), Labcorp).